The following is an entry in ClinVar:

NM_001378120.1(MBD5):c.4327T>C (p.Trp1443Arg)

Gene: MBD5 (methyl-CpG binding domain protein 5; plus strand). Cytogenetic location: 2q23.1.
Variant type: single nucleotide variant.
Coding change: c.4327T>C on transcript NM_001378120.1 (MANE Select); coding-DNA position 4327, T replaced by C.
Protein change: p.Trp1443Arg; replaces tryptophan 1443 with arginine.
Molecular consequence: missense variant.
Genome position (GRCh38, 1-based): chr2:148,489,959, T>C. VCF-style: chr2-148489959-T-C. GRCh37 (hg19) VCF-style: chr2-149247528-T-C.
Other names: c.3628T>C, p.Trp1210Arg (NM_018328.5); short protein forms W1210R, W1443R.
Identifiers: ClinVar variation 3694825 (VCV003694825.2).

ClinVar aggregate classification (germline): Uncertain significance (1 of 4 stars; one submission).

Conditions:
Intellectual developmental disorder, autosomal dominant 1. Also called: MBD5 Haploinsufficiency; Intellectual disability, autosomal dominant 1. Identifiers: Orphanet 228402, MedGen C1969562, MONDO:0007974, OMIM 156200.

Submission:

Labcorp Genetics (formerly Invitae), Labcorp
Classification: Uncertain significance for Intellectual developmental disorder, autosomal dominant 1. Last evaluated: 2025-05-22. Review status: criteria provided, single submitter. Criteria: Invitae Variant Classification Sherloc (09022015). Collection method: clinical testing. Allele origin: germline.
Comment: This sequence change replaces tryptophan, which is neutral and slightly polar, with arginine, which is basic and polar, at codon 1210 of the MBD5 protein (p.Trp1210Arg). This variant is not present in population databases (gnomAD no frequency). This variant has not been reported in the literature in individuals affected with MBD5-related conditions. ClinVar contains an entry for this variant (Variation ID: 3694825). Experimental studies and prediction algorithms are not available or were not evaluated, and the functional significance of this variant is currently unknown. In summary, the available evidence is currently insufficient to determine the role of this variant in disease. Therefore, it has been classified as a Variant of Uncertain Significance.